The following is an entry in ClinVar:

ClinVar aggregate classification (germline): Likely benign (0 of 4 stars; one submission).

Conditions:
RET-related disorder. Also called: RET-related disorders; RET-related condition; RET-related disease.

Allele frequency attached by ClinVar (database versions not stated): gnomAD 0.00001; TOPMed 0.00003.
gnomAD v4.1: 4 of 152,240 alleles (0.0026%); highest among the groups gnomAD compares: Admixed American, 0.013%; no homozygotes.

Submission:

PreventionGenetics, part of Exact Sciences
Classification: Likely benign for RET-related condition. Last evaluated: 2021-11-23. Review status: no assertion criteria provided. Collection method: clinical testing. Allele origin: germline.
Comment: This variant is classified as likely benign based on ACMG/AMP sequence variant interpretation guidelines (Richards et al. 2015 PMID: 25741868, with internal and published modifications).

NM_020975.6(RET):c.73+9408A>G

Genes: MCS+9.7 (RET intron 1 enhancer; plus strand), RET (ret proto-oncogene; plus strand), LOC110121502 (VISTA enhancer hs2326; plus strand). Cytogenetic location: 10q11.21.
Variant type: single nucleotide variant.
Coding change: c.73+9408A>G on transcript NM_020975.6 (MANE Select); 9408 bases into the intron after coding-DNA position 73, A replaced by G.
Molecular consequence: intron variant.
Genome position (GRCh38, 1-based): chr10:43,086,739, A>G. VCF-style: chr10-43086739-A-G. GRCh37 (hg19) VCF-style: chr10-43582187-A-G.
Other names: c.73+9408A>G (NM_020630.7, NM_001406743.1, NM_001406744.1 and 36 more transcripts).
Identifiers: ClinVar variation 3036896 (VCV003036896.2), dbSNP rs963402218, ClinGen allele CA206711508.